The following is an entry in ClinVar:

NM_006393.3(NEBL):c.607A>T (p.Ile203Leu)

Gene: NEBL (nebulette; minus strand). Cytogenetic location: 10p12.31.
Variant type: single nucleotide variant.
Coding change: c.607A>T on transcript NM_006393.3 (MANE Select); coding-DNA position 607, A replaced by T.
Protein change: p.Ile203Leu; replaces isoleucine 203 with leucine.
Molecular consequence: missense variant. On other transcripts: intron variant (9).
Genome position (GRCh38, 1-based): chr10:20,868,741, T>A on the plus strand (A>T on the coding strand, the complement: NEBL is on the minus strand). VCF-style: chr10-20868741-T-A. GRCh37 (hg19) VCF-style: chr10-21157670-T-A.
Other names: c.358-55801A>T (NM_001173484.2, NM_001377322.1, NM_213569.2); c.301-55801A>T (NM_001377324.1); c.292-55801A>T (NM_001377325.1); c.310-55801A>T (NM_001377323.1); c.250-55801A>T (NM_001377326.1, NM_001377327.1, NM_001377328.1); short protein forms I203L.
Identifiers: ClinVar variation 1751432 (VCV001751432.2), dbSNP rs1003011762, ClinGen allele CA204203702.

ClinVar aggregate classification (germline): Uncertain significance (1 of 4 stars; one submission).

Allele frequency attached by ClinVar (database versions not stated): gnomAD exomes below 0.00001; TOPMed 0.00001.
gnomAD v4.1: 5 of 1,610,252 alleles (0.00031%); highest among the groups gnomAD compares: Middle Eastern, 0.017%; no homozygotes.

Submission:

Ambry Genetics
Classification: Uncertain significance. Last evaluated: 2022-07-06. Review status: criteria provided, single submitter. Criteria: Ambry Variant Classification Scheme 2023. Collection method: clinical testing. Allele origin: germline.
Comment: The p.I203L variant (also known as c.607A>T), located in coding exon 7 of the NEBL gene, results from an A to T substitution at nucleotide position 607. The isoleucine at codon 203 is replaced by leucine, an amino acid with highly similar properties. This amino acid position is conserved. In addition, this alteration is predicted to be tolerated by in silico analysis. Since supporting evidence is limited at this time, the clinical significance of this alteration remains unclear.